The following is an entry in ClinVar:

ClinVar aggregate classification (germline): Uncertain significance (1 of 4 stars; one submission).

gnomAD v4.1: 3 of 1,172,141 alleles (0.00026%); highest among the groups gnomAD compares: Admixed American, 0.0026%; no homozygotes.

Submission:

Labcorp Genetics (formerly Invitae), Labcorp
Classification: Uncertain significance. Last evaluated: 2024-11-11. Review status: criteria provided, single submitter. Criteria: Invitae Variant Classification Sherloc (09022015). Collection method: clinical testing. Allele origin: germline.
Comment: This sequence change replaces alanine, which is neutral and non-polar, with threonine, which is neutral and polar, at codon 223 of the AMER1 protein (p.Ala223Thr). This variant is present in population databases (no rsID available, gnomAD 0.005%). This variant has not been reported in the literature in individuals affected with AMER1-related conditions. An algorithm developed to predict the effect of missense changes on protein structure and function outputs the following: PolyPhen-2: "Benign". The threonine amino acid residue is found in multiple mammalian species, which suggests that this missense change does not adversely affect protein function. In summary, the available evidence is currently insufficient to determine the role of this variant in disease. Therefore, it has been classified as a Variant of Uncertain Significance.

NM_152424.4(AMER1):c.667G>A (p.Ala223Thr)

Gene: AMER1 (APC membrane recruitment protein 1; minus strand). Cytogenetic location: Xq11.2.
Variant type: single nucleotide variant.
Coding change: c.667G>A on transcript NM_152424.4 (MANE Select); coding-DNA position 667, G replaced by A.
Protein change: p.Ala223Thr; replaces alanine 223 with threonine.
Molecular consequence: missense variant.
Genome position (GRCh38, 1-based): chrX:64,192,620, C>T on the plus strand (G>A on the coding strand, the complement: AMER1 is on the minus strand). VCF-style: chrX-64192620-C-T. GRCh37 (hg19) VCF-style: chrX-63412500-C-T.
Other names: short protein forms A223T.
Identifiers: ClinVar variation 3687668 (VCV003687668.2).